The following is an entry in ClinVar:

NM_001042517.2(DIAPH3):c.1366C>G (p.Gln456Glu)

Gene: DIAPH3 (diaphanous related formin 3; minus strand). Cytogenetic location: 13q21.2.
Variant type: single nucleotide variant.
Coding change: c.1366C>G on transcript NM_001042517.2 (MANE Select); coding-DNA position 1366, C replaced by G.
Protein change: p.Gln456Glu; replaces glutamine 456 with glutamic acid.
Molecular consequence: missense variant.
Genome position (GRCh38, 1-based): chr13:59,983,883, G>C on the plus strand (C>G on the coding strand, the complement: DIAPH3 is on the minus strand). VCF-style: chr13-59983883-G-C. GRCh37 (hg19) VCF-style: chr13-60558017-G-C.
Other names: c.1333C>G, p.Gln445Glu (NM_001258366.2); c.1228C>G, p.Gln410Glu (NM_001258367.2); c.1156C>G, p.Gln386Glu (NM_001258368.2); c.1366C>G, p.Gln456Glu (NM_001258369.2); c.577C>G, p.Gln193Glu (NM_001258370.2, NM_030932.4); short protein forms Q386E, Q456E, Q410E, Q445E, Q193E.
Identifiers: ClinVar variation 2868884 (VCV002868884.3), dbSNP rs776831734, ClinGen allele CA6996714.

ClinVar aggregate classification (germline): Uncertain significance (1 of 4 stars; one submission).

Allele frequency attached by ClinVar (database versions not stated): gnomAD exomes below 0.00001; gnomAD 0.00001; TOPMed 0.00001.
gnomAD v4.1: 5 of 1,593,912 alleles (0.00031%); highest among the groups gnomAD compares: Non-Finnish European, 0.00043%; no homozygotes.

Submission:

Labcorp Genetics (formerly Invitae), Labcorp
Classification: Uncertain significance. Last evaluated: 2022-12-31. Review status: criteria provided, single submitter. Criteria: Invitae Variant Classification Sherloc (09022015). Collection method: clinical testing. Allele origin: germline.
Comment: This sequence change replaces glutamine, which is neutral and polar, with glutamic acid, which is acidic and polar, at codon 456 of the DIAPH3 protein (p.Gln456Glu). This variant is present in population databases (rs776831734, gnomAD 0.002%). This variant has not been reported in the literature in individuals affected with DIAPH3-related conditions. Algorithms developed to predict the effect of missense changes on protein structure and function are either unavailable or do not agree on the potential impact of this missense change (SIFT: "Tolerated"; PolyPhen-2: "Probably Damaging"; Align-GVGD: "Class C0"). In summary, the available evidence is currently insufficient to determine the role of this variant in disease. Therefore, it has been classified as a Variant of Uncertain Significance.